The following is an entry in ClinVar:

ClinVar aggregate classification (germline): Uncertain significance (1 of 4 stars; one submission).

Conditions:
KLHL24-related disorder. Also called: KLHL24-related condition.

gnomAD v4.1: 47 of 1,614,086 alleles (0.0029%); highest among the groups gnomAD compares: Middle Eastern, 0.016%; no homozygotes.

Submission:

PreventionGenetics, part of Exact Sciences
Classification: Uncertain significance for KLHL24-related condition. Last evaluated: 2026-02-20. Review status: criteria provided, single submitter. Criteria: ACMG Guidelines, 2015. Collection method: clinical testing. Allele origin: germline.
Comment: The KLHL24 c.713A>G variant is predicted to result in the amino acid substitution p.Tyr238Cys. To our knowledge, this variant has not been reported in the literature. This variant is reported in 0.0085% of alleles in individuals of Latino descent in gnomAD. At this time, the clinical significance of this variant is uncertain due to the absence of conclusive functional and genetic evidence.

NM_017644.3(KLHL24):c.713A>G (p.Tyr238Cys)

Gene: KLHL24 (kelch like family member 24; plus strand). Cytogenetic location: 3q27.1.
Variant type: single nucleotide variant.
Coding change: c.713A>G on transcript NM_017644.3 (MANE Select); coding-DNA position 713, A replaced by G.
Protein change: p.Tyr238Cys; replaces tyrosine 238 with cysteine.
Molecular consequence: missense variant. On other transcripts: 5 prime UTR variant (2), non-coding transcript variant (2).
Genome position (GRCh38, 1-based): chr3:183,651,069, A>G. VCF-style: chr3-183651069-A-G. GRCh37 (hg19) VCF-style: chr3-183368857-A-G.
Other names: c.713A>G, p.Tyr238Cys (NM_001349413.1, NM_001349414.1, NM_001349415.1 and 11 more transcripts); c.-254A>G (NM_001349428.1, NM_001349429.1); short protein forms Y238C.
Identifiers: ClinVar variation 4982887 (VCV004982887.1).
Genomic context (GRCh38, chr3:183,651,069, plus strand): 5'-GTGATGAACTTGTTATTGGTAAAGAGGAGATGGTTTTTGAAGCCGTCATGCGTTGGGTCT[A>G]TCGTGCCGTTGATCTGAGAAGACCACTGTTACACGAGCTCCTGACACATGTGAGACTCCC-3'
Protein context (NP_060114.2, residues 228-248): MVFEAVMRWV[Tyr238Cys]RAVDLRRPLL